The following is an entry in ClinVar:

ClinVar aggregate classification (germline): Uncertain significance (1 of 4 stars; one submission).

Submission:

GeneDx
Classification: Uncertain significance. Last evaluated: 2026-02-13. Review status: criteria provided, single submitter. Criteria: GeneDx Variant Classification Process June 2021. Collection method: clinical testing. Allele origin: germline.
Comment: Not observed at significant frequency in large population cohorts (gnomAD); In silico analysis suggests that this missense variant does not alter protein structure/function; Has not been previously published as pathogenic or benign to our knowledge

NM_014991.6(WDFY3):c.505G>C (p.Ala169Pro)

Gene: WDFY3 (WD repeat and FYVE domain containing 3; minus strand). Cytogenetic location: 4q21.23.
Variant type: single nucleotide variant.
Coding change: c.505G>C on transcript NM_014991.6 (MANE Select); coding-DNA position 505, G replaced by C.
Protein change: p.Ala169Pro; replaces alanine 169 with proline.
Molecular consequence: missense variant.
Genome position (GRCh38, 1-based): chr4:84,837,000, C>G on the plus strand (G>C on the coding strand, the complement: WDFY3 is on the minus strand). VCF-style: chr4-84837000-C-G. GRCh37 (hg19) VCF-style: chr4-85758153-C-G.
Other names: short protein forms A169P.
Identifiers: ClinVar variation 2573718 (VCV002573718.2), dbSNP rs2149991601, ClinGen allele CA357544718.